The following is an entry in ClinVar:

ClinVar aggregate classification (germline): Uncertain significance (1 of 4 stars; one submission).

Allele frequency attached by ClinVar (database versions not stated): gnomAD 0.00001; TOPMed 0.00001.

Submission:

Labcorp Genetics (formerly Invitae), Labcorp
Classification: Uncertain significance. Last evaluated: 2022-08-23. Review status: criteria provided, single submitter. Criteria: Invitae Variant Classification Sherloc (09022015). Collection method: clinical testing. Allele origin: germline.
Comment: This sequence change replaces glycine, which is neutral and non-polar, with alanine, which is neutral and non-polar, at codon 174 of the TMEM126A protein (p.Gly174Ala). This variant is present in population databases (no rsID available, gnomAD 0.01%). This variant has not been reported in the literature in individuals affected with TMEM126A-related conditions. ClinVar contains an entry for this variant (Variation ID: 1011907). Algorithms developed to predict the effect of missense changes on protein structure and function are either unavailable or do not agree on the potential impact of this missense change (SIFT: "Tolerated"; PolyPhen-2: "Possibly Damaging"; Align-GVGD: "Class C0"). In summary, the available evidence is currently insufficient to determine the role of this variant in disease. Therefore, it has been classified as a Variant of Uncertain Significance.

NM_032273.4(TMEM126A):c.521G>C (p.Gly174Ala)

Gene: TMEM126A (transmembrane protein 126A; plus strand). Cytogenetic location: 11q14.1.
Variant type: single nucleotide variant.
Coding change: c.521G>C on transcript NM_032273.4 (MANE Select); coding-DNA position 521, G replaced by C.
Protein change: p.Gly174Ala; replaces glycine 174 with alanine.
Molecular consequence: missense variant.
Genome position (GRCh38, 1-based): chr11:85,656,434, G>C. VCF-style: chr11-85656434-G-C. GRCh37 (hg19) VCF-style: chr11-85367478-G-C.
Other names: c.311G>C, p.Gly104Ala (NM_001244735.2); short protein forms G104A, G174A.
Identifiers: ClinVar variation 1011907 (VCV001011907.4), dbSNP rs1194140664, ClinGen allele CA381997752.
Genomic context (GRCh38, chr11:85,656,434, plus strand): 5'-CTGTCTTTAGAAAGATGTTATTTCCTATTTTGCTCCAGACTATGTTTTCAGCATACCTTG[G>C]GTCTGAACAATATAAACTACTTATAAAGGCCCTTCAGTTATCTGAACCTGGCAAAGAAAT-3'
Protein context (NP_115649.1, residues 164-184): LLQTMFSAYL[Gly174Ala]SEQYKLLIKA